The following is an entry in ClinVar:

NM_001098816.3(TENM4):c.55G>C (p.Glu19Gln)

Gene: TENM4 (teneurin transmembrane protein 4; minus strand). Cytogenetic location: 11q14.1.
Variant type: single nucleotide variant.
Coding change: c.55G>C on transcript NM_001098816.3 (MANE Select); coding-DNA position 55, G replaced by C.
Protein change: p.Glu19Gln; replaces glutamic acid 19 with glutamine.
Molecular consequence: missense variant.
Genome position (GRCh38, 1-based): chr11:79,069,890, C>G on the plus strand (G>C on the coding strand, the complement: TENM4 is on the minus strand). VCF-style: chr11-79069890-C-G. GRCh37 (hg19) VCF-style: chr11-78780935-C-G.
Other names: short protein forms E19Q.
Identifiers: ClinVar variation 2562209 (VCV002562209.4), dbSNP rs750883732, ClinGen allele CA6207723.

ClinVar aggregate classification (germline): Uncertain significance. Review status: criteria provided, multiple submitters, no conflicts (2 of 4 stars). 2 submissions from 2 submitters: Uncertain significance (2). Last evaluated 2025-07-11.

Conditions:
TENM4-related disorder. Also called: TENM4-related condition.

Allele frequency attached by ClinVar (database versions not stated): TOPMed 0.00016; gnomAD 0.00019; ExAC 0.00022.
gnomAD v4.1: 315 of 1,548,312 alleles (0.02%); highest among the groups gnomAD compares: Non-Finnish European, 0.026%; 1 homozygote.

Submissions (2):

PreventionGenetics, part of Exact Sciences
Classification: Uncertain significance for TENM4-related condition. Last evaluated: 2025-07-11. Review status: criteria provided, single submitter. Criteria: ACMG Guidelines, 2015. Collection method: clinical testing. Allele origin: germline.
Comment: The TENM4 c.55G>C variant is predicted to result in the amino acid substitution p.Glu19Gln. To our knowledge, this variant has not been reported in the literature. This variant is reported in 0.035% of alleles in individuals of European (non-Finnish) descent in gnomAD. At this time, the clinical significance of this variant is uncertain due to the absence of conclusive functional and genetic evidence.

Ambry Genetics
Classification: Uncertain significance. Last evaluated: 2025-05-13. Review status: criteria provided, single submitter. Criteria: Ambry Variant Classification Scheme 2023. Collection method: clinical testing. Allele origin: germline.